The following is an entry in ClinVar:

NM_003906.5(MCM3AP):c.2951A>G (p.Asn984Ser)

Gene: MCM3AP (minichromosome maintenance complex component 3 associated protein; minus strand). Cytogenetic location: 21q22.3.
Variant type: single nucleotide variant.
Coding change: c.2951A>G on transcript NM_003906.5 (MANE Select); coding-DNA position 2951, A replaced by G.
Protein change: p.Asn984Ser; replaces asparagine 984 with serine.
Molecular consequence: missense variant.
Genome position (GRCh38, 1-based): chr21:46,266,005, T>C on the plus strand (A>G on the coding strand, the complement: MCM3AP is on the minus strand). VCF-style: chr21-46266005-T-C. GRCh37 (hg19) VCF-style: chr21-47685919-T-C.
Other names: short protein forms N984S.
Identifiers: ClinVar variation 1400511 (VCV001400511.8), dbSNP rs2081107115, ClinGen allele CA410561473.

ClinVar aggregate classification (germline): Uncertain significance (1 of 4 stars; one submission).

Allele frequency attached by ClinVar (database versions not stated): gnomAD exomes below 0.00001.
gnomAD v4.1: 1 of 1,608,508 alleles (0.000062%); highest among the groups gnomAD compares: Non-Finnish European, 0.000085%; no homozygotes.

Submission:

Labcorp Genetics (formerly Invitae), Labcorp
Classification: Uncertain significance. Last evaluated: 2021-06-13. Review status: criteria provided, single submitter. Criteria: Invitae Variant Classification Sherloc (09022015). Collection method: clinical testing. Allele origin: germline.
Comment: In summary, the available evidence is currently insufficient to determine the role of this variant in disease. Therefore, it has been classified as a Variant of Uncertain Significance. Algorithms developed to predict the effect of sequence changes on RNA splicing suggest that this variant may create or strengthen a splice site, but this prediction has not been confirmed by published transcriptional studies. Algorithms developed to predict the effect of missense changes on protein structure and function are either unavailable or do not agree on the potential impact of this missense change (SIFT: "Tolerated"; PolyPhen-2: "Probably Damaging"; Align-GVGD: "Class C0"). This sequence change replaces asparagine with serine at codon 984 of the MCM3AP protein (p.Asn984Ser). The asparagine residue is moderately conserved and there is a small physicochemical difference between asparagine and serine. This variant is not present in population databases (ExAC no frequency). This variant has not been reported in the literature in individuals with MCM3AP-related conditions.